The following is an entry in ClinVar:

ClinVar aggregate classification (germline): Uncertain significance (1 of 4 stars; one submission).

Allele frequency attached by ClinVar (database versions not stated): gnomAD exomes below 0.00001.
gnomAD v4.1: 1 of 1,614,216 alleles (0.000062%); highest among the groups gnomAD compares: Non-Finnish European, 0.000085%; no homozygotes.

Submission:

Ambry Genetics
Classification: Uncertain significance. Last evaluated: 2023-02-24. Review status: criteria provided, single submitter. Criteria: Ambry Variant Classification Scheme 2023. Collection method: clinical testing. Allele origin: germline.
Comment: The p.E1037K variant (also known as c.3109G>A), located in coding exon 4 of the ALPK2 gene, results from a G to A substitution at nucleotide position 3109. The glutamic acid at codon 1037 is replaced by lysine, an amino acid with similar properties. This amino acid position is conserved. In addition, this alteration is predicted to be tolerated by in silico analysis. Since supporting evidence is limited at this time, the clinical significance of this alteration remains unclear.

NM_052947.4(ALPK2):c.3109G>A (p.Glu1037Lys)

Gene: ALPK2 (alpha kinase 2; minus strand). Cytogenetic location: 18q21.31.
Variant type: single nucleotide variant.
Coding change: c.3109G>A on transcript NM_052947.4 (MANE Select); coding-DNA position 3109, G replaced by A.
Protein change: p.Glu1037Lys; replaces glutamic acid 1037 with lysine.
Molecular consequence: missense variant.
Genome position (GRCh38, 1-based): chr18:58,537,078, C>T on the plus strand (G>A on the coding strand, the complement: ALPK2 is on the minus strand). VCF-style: chr18-58537078-C-T. GRCh37 (hg19) VCF-style: chr18-56204310-C-T.
Other names: short protein forms E1037K.
Identifiers: ClinVar variation 2449294 (VCV002449294.2), dbSNP rs2518876889, ClinGen allele CA402569089.